The following is an entry in ClinVar:

ClinVar aggregate classification (germline): Uncertain significance (1 of 4 stars; one submission).

Conditions:
WDR26-related disorder. Also called: WDR26-related condition.

Submission:

PreventionGenetics, part of Exact Sciences
Classification: Uncertain significance for WDR26-related condition. Last evaluated: 2026-01-20. Review status: criteria provided, single submitter. Criteria: ACMG Guidelines, 2015. Collection method: clinical testing. Allele origin: germline.
Comment: The WDR26 c.1091C>G variant is predicted to result in the amino acid substitution p.Ser364Cys. To our knowledge, this variant has not been reported in the literature or in a large population database (gnomAD), indicating this variant is rare. At this time, the clinical significance of this variant is uncertain due to the absence of conclusive functional and genetic evidence.

NM_001379403.1(WDR26):c.1391C>G (p.Ser464Cys)

Gene: WDR26 (WD repeat domain 26; minus strand). Cytogenetic location: 1q42.12.
Variant type: single nucleotide variant.
Coding change: c.1391C>G on transcript NM_001379403.1 (MANE Select); coding-DNA position 1391, C replaced by G.
Protein change: p.Ser464Cys; replaces serine 464 with cysteine.
Molecular consequence: missense variant.
Genome position (GRCh38, 1-based): chr1:224,411,494, G>C on the plus strand (C>G on the coding strand, the complement: WDR26 is on the minus strand). VCF-style: chr1-224411494-G-C. GRCh37 (hg19) VCF-style: chr1-224599196-G-C.
Other names: c.1043C>G, p.Ser348Cys (NM_001115113.3); c.1091C>G, p.Ser364Cys (NM_025160.7); short protein forms S364C, S348C, S464C.
Identifiers: ClinVar variation 4995344 (VCV004995344.1).